The following is an entry in ClinVar:

ClinVar aggregate classification (germline): Benign/Likely benign. Review status: criteria provided, multiple submitters, no conflicts (2 of 4 stars). 3 submissions from 3 submitters: Benign (1); Likely benign (2). Last evaluated 2025-07-14.

Conditions:
Desbuquois dysplasia 1 (DBQD1). Also called: DESBUQUOIS DYSPLASIA 1, KIM VARIANT; MICROMELIC DWARFISM WITH VERTEBRAL AND METAPHYSEAL ABNORMALITIES AND ADVANCED CARPOTARSAL OSSIFICATION. Identifiers: Orphanet 1425, MedGen C4012146, MONDO:0009629, OMIM 251450.

Allele frequency attached by ClinVar (database versions not stated): gnomAD exomes 0.00009 and 0.00060; gnomAD 0.00017 and 0.00020; TOPMed 0.00022; 1000 Genomes Project 0.00040; ExAC 0.00043; 1000 Genomes Project 30x 0.00047.
gnomAD v4.1: 171 of 1,614,280 alleles (0.011%); highest among the groups gnomAD compares: East Asian, 0.36%; no homozygotes.

Submissions (3):

Labcorp Genetics (formerly Invitae), Labcorp
Classification: Benign. Last evaluated: 2025-07-14. Review status: criteria provided, single submitter. Criteria: Invitae Variant Classification Sherloc (09022015). Collection method: clinical testing. Allele origin: germline.

Blueprint Genetics
Classification: Likely benign. Last evaluated: 2024-10-23. Review status: criteria provided, single submitter. Criteria: ACMG Guidelines, 2015. Collection method: clinical testing. Allele origin: germline.

Illumina Laboratory Services, Illumina
Classification: Likely benign for Desbuquois dysplasia 1. Last evaluated: 2018-01-13. Review status: criteria provided, single submitter. Criteria: ICSL Variant Classification Criteria 13 December 2019. Collection method: clinical testing. Allele origin: germline.
Comment: This variant was observed in the ICSL laboratory as part of a predisposition screen in an ostensibly healthy population. It had not been previously curated by ICSL or reported in the Human Gene Mutation Database (HGMD: prior to June 1st, 2018), and was therefore a candidate for classification through an automated scoring system. Utilizing variant allele frequency, disease prevalence and penetrance estimates, and inheritance mode, an automated score was calculated to assess if this variant is too frequent to cause the disease. Based on the score and internal cut-off values, a variant classified as likely benign is not then subjected to further curation. The score for this variant resulted in a classification of likely benign for this disease.

NM_001159773.2(CANT1):c.1152G>C (p.Leu384=)

Gene: CANT1 (calcium activated nucleotidase 1; minus strand). Cytogenetic location: 17q25.3.
Variant type: single nucleotide variant.
Coding change: c.1152G>C on transcript NM_001159773.2 (MANE Select); coding-DNA position 1152, G replaced by C.
Protein change: p.Leu384=; no amino-acid change (leucine 384 retained).
Molecular consequence: synonymous variant.
Genome position (GRCh38, 1-based): chr17:78,993,604, C>G on the plus strand (G>C on the coding strand, the complement: CANT1 is on the minus strand). VCF-style: chr17-78993604-C-G. GRCh37 (hg19) VCF-style: chr17-76989686-C-G.
Other names: c.1152G>C, p.Leu384= (NM_001159772.2, NM_138793.4).
Identifiers: ClinVar variation 792842 (VCV000792842.15), dbSNP rs145794847, ClinGen allele CA8808501.
Genomic context (GRCh38, chr17:78,993,604, plus strand): 5'-TTTGAGTTAAATGAACTCGATGCCTTCGTATTTCACGCTTCCGATCTTGGTCTCCGGCAA[C>G]AGGAAGCGCCCGTCCAGCGTGAAGGCCATGATGTAGGAGGCGACTCTGCCGCTGTCCTCC-3'
Protein context (NP_001153245.1, residues 374-394): IMAFTLDGRF[Leu384=]LPETKIGSVK